The following is an entry in ClinVar:

NM_001378120.1(MBD5):c.5021G>A (p.Arg1674Gln)

Gene: MBD5 (methyl-CpG binding domain protein 5; plus strand). Cytogenetic location: 2q23.1.
Variant type: single nucleotide variant.
Coding change: c.5021G>A on transcript NM_001378120.1 (MANE Select); coding-DNA position 5021, G replaced by A.
Protein change: p.Arg1674Gln; replaces arginine 1674 with glutamine.
Molecular consequence: missense variant.
Genome position (GRCh38, 1-based): chr2:148,502,494, G>A. VCF-style: chr2-148502494-G-A. GRCh37 (hg19) VCF-style: chr2-149260063-G-A.
Other names: c.4322G>A, p.Arg1441Gln (NM_018328.5); short protein forms R1441Q, R1674Q.
Identifiers: ClinVar variation 513150 (VCV000513150.13), dbSNP rs750291645, ClinGen allele CA1900518.
Genomic context (GRCh38, chr2:148,502,494, plus strand): 5'-AGGTGGAGCCCGAGAAGTTGAAGACACTAACAGAAGGTTTGGAAGCCTACAGCCGTGTCC[G>A]GAAAAGGAACAGAAAGTAAGCACTTTTCCAAAATTTTACTTTGTTTTTCCAGGATATAAT-3'
Protein context (NP_001365049.1, residues 1664-1684): TEGLEAYSRV[Arg1674Gln]KRNRKSGKLN

ClinVar aggregate classification (germline): Conflicting classifications of pathogenicity. Review status: criteria provided, conflicting classifications (1 of 4 stars). 3 submissions from 3 submitters: Uncertain significance (1); Likely benign (2). Last evaluated 2026-01-28.

Conditions:
Intellectual developmental disorder, autosomal dominant 1. Also called: MBD5 Haploinsufficiency; Intellectual disability, autosomal dominant 1. Identifiers: Orphanet 228402, MedGen C1969562, MONDO:0007974, OMIM 156200.

Allele frequency attached by ClinVar (database versions not stated): TOPMed 0.00002; gnomAD 0.00001.
gnomAD v4.1: 49 of 1,613,944 alleles (0.003%); highest among the groups gnomAD compares: Non-Finnish European, 0.0038%; no homozygotes.

Submissions (3):

Labcorp Genetics (formerly Invitae), Labcorp
Classification: Uncertain significance for Intellectual developmental disorder, autosomal dominant 1. Last evaluated: 2026-01-28. Review status: criteria provided, single submitter. Criteria: Invitae Variant Classification Sherloc (09022015). Collection method: clinical testing. Allele origin: germline.
Comment: This sequence change replaces arginine, which is basic and polar, with glutamine, which is neutral and polar, at codon 1441 of the MBD5 protein (p.Arg1441Gln). This variant is present in population databases (rs750291645, gnomAD 0.007%). This variant has not been reported in the literature in individuals affected with MBD5-related conditions. ClinVar contains an entry for this variant (Variation ID: 513150). Experimental studies and prediction algorithms are not available or were not evaluated, and the functional significance of this variant is currently unknown. In summary, the available evidence is currently insufficient to determine the role of this variant in disease. Therefore, it has been classified as a Variant of Uncertain Significance.

Blueprint Genetics
Classification: Likely benign. Last evaluated: 2024-09-13. Review status: criteria provided, single submitter. Criteria: ACMG Guidelines, 2015. Collection method: clinical testing. Allele origin: germline.

GeneDx
Classification: Likely benign. Last evaluated: 2019-02-27. Review status: criteria provided, single submitter. Criteria: GeneDx Variant Classification Process June 2021. Collection method: clinical testing. Allele origin: germline. Affected: yes.